The following is an entry in ClinVar:

NM_001206927.2(DNAH8):c.12664A>G (p.Ile4222Val)

Gene: DNAH8 (dynein axonemal heavy chain 8; plus strand). Cytogenetic location: 6p21.2.
Variant type: single nucleotide variant.
Coding change: c.12664A>G on transcript NM_001206927.2 (MANE Select); coding-DNA position 12664, A replaced by G.
Protein change: p.Ile4222Val; replaces isoleucine 4222 with valine.
Molecular consequence: missense variant.
Genome position (GRCh38, 1-based): chr6:38,973,799, A>G. VCF-style: chr6-38973799-A-G. GRCh37 (hg19) VCF-style: chr6-38941575-A-G.
Other names: c.12013A>G, p.Ile4005Val (NM_001371.4); short protein forms I4005V, I4222V.
Identifiers: ClinVar variation 3668905 (VCV003668905.2).

ClinVar aggregate classification (germline): Uncertain significance (1 of 4 stars; one submission).

Conditions:
Primary ciliary dyskinesia. Also called: Ciliary dyskinesia. Identifiers: Orphanet 244, MedGen C0008780, MONDO:0016575, HP:0012265.

gnomAD v4.1: 11 of 1,603,494 alleles (0.00069%); highest among the groups gnomAD compares: Admixed American, 0.0088%; no homozygotes.

Submission:

Labcorp Genetics (formerly Invitae), Labcorp
Classification: Uncertain significance for Primary ciliary dyskinesia. Last evaluated: 2025-01-10. Review status: criteria provided, single submitter. Criteria: Invitae Variant Classification Sherloc (09022015). Collection method: clinical testing. Allele origin: germline.
Comment: This sequence change replaces isoleucine, which is neutral and non-polar, with valine, which is neutral and non-polar, at codon 4222 of the DNAH8 protein (p.Ile4222Val). This variant is present in population databases (rs777186173, gnomAD 0.01%). This variant has not been reported in the literature in individuals affected with DNAH8-related conditions. Invitae Evidence Modeling of protein sequence and biophysical properties (such as structural, functional, and spatial information, amino acid conservation, physicochemical variation, residue mobility, and thermodynamic stability) has been performed for this missense variant. However, the output from this modeling did not meet the statistical confidence thresholds required to predict the impact of this variant on DNAH8 protein function. In summary, the available evidence is currently insufficient to determine the role of this variant in disease. Therefore, it has been classified as a Variant of Uncertain Significance.